The following is an entry in ClinVar:

ClinVar aggregate classification (germline): Uncertain significance. Review status: criteria provided, multiple submitters, no conflicts (2 of 4 stars). 3 submissions from 3 submitters: Uncertain significance (3). Last evaluated 2025-05-27.

Conditions:
Hereditary cancer-predisposing syndrome. Also called: Hereditary Cancer Syndrome; Tumor predisposition; Hereditary neoplastic syndrome; Neoplastic Syndromes, Hereditary. Identifiers: Orphanet 140162, MedGen C0027672, MeSH D009386, MONDO:0015356.

Submissions (3):

Labcorp Genetics (formerly Invitae), Labcorp
Classification: Uncertain significance. Last evaluated: 2025-05-27. Review status: criteria provided, single submitter. Criteria: Invitae Variant Classification Sherloc (09022015). Collection method: clinical testing. Allele origin: germline.
Comment: This sequence change replaces methionine, which is neutral and non-polar, with leucine, which is neutral and non-polar, at codon 1798 of the POLE protein (p.Met1798Leu). This variant is not present in population databases (gnomAD no frequency). This variant has not been reported in the literature in individuals affected with POLE-related conditions. ClinVar contains an entry for this variant (Variation ID: 1056504). Invitae Evidence Modeling of protein sequence and biophysical properties (such as structural, functional, and spatial information, amino acid conservation, physicochemical variation, residue mobility, and thermodynamic stability) indicates that this missense variant is not expected to disrupt POLE protein function with a negative predictive value of 80%. In summary, the available evidence is currently insufficient to determine the role of this variant in disease. Therefore, it has been classified as a Variant of Uncertain Significance.

Ambry Genetics
Classification: Uncertain significance for Hereditary cancer-predisposing syndrome. Last evaluated: 2024-06-07. Review status: criteria provided, single submitter. Criteria: Ambry Variant Classification Scheme 2023. Collection method: clinical testing. Allele origin: germline.
Comment: The p.M1798L variant (also known as c.5392A>C), located in coding exon 40 of the POLE gene, results from an A to C substitution at nucleotide position 5392. The methionine at codon 1798 is replaced by leucine, an amino acid with highly similar properties. This amino acid position is conserved. In addition, the in silico prediction for this alteration is inconclusive. Since supporting evidence is limited at this time, the clinical significance of this alteration remains unclear.

GeneDx
Classification: Uncertain significance. Last evaluated: 2024-05-28. Review status: criteria provided, single submitter. Criteria: GeneDx Variant Classification Process June 2021. Collection method: clinical testing. Allele origin: germline. Affected: yes.
Comment: Not observed at significant frequency in large population cohorts (gnomAD); In silico analysis indicates that this missense variant does not alter protein structure/function; Has not been previously published as pathogenic or benign to our knowledge

NM_006231.4(POLE):c.5392A>C (p.Met1798Leu)

Gene: POLE (DNA polymerase epsilon, catalytic subunit; minus strand). Cytogenetic location: 12q24.33.
Variant type: single nucleotide variant.
Coding change: c.5392A>C on transcript NM_006231.4 (MANE Select); coding-DNA position 5392, A replaced by C.
Protein change: p.Met1798Leu; replaces methionine 1798 with leucine.
Molecular consequence: missense variant.
Genome position (GRCh38, 1-based): chr12:132,639,285, T>G on the plus strand (A>C on the coding strand, the complement: POLE is on the minus strand). VCF-style: chr12-132639285-T-G. GRCh37 (hg19) VCF-style: chr12-133215871-T-G.
Other names: short protein forms M1798L.
Identifiers: ClinVar variation 1056504 (VCV001056504.13), dbSNP rs1555221940, ClinGen allele CA387375108.